The following is an entry in ClinVar:

ClinVar aggregate classification (germline): Uncertain significance. Review status: criteria provided, multiple submitters, no conflicts (2 of 4 stars). 2 submissions from 2 submitters: Uncertain significance (2). Last evaluated 2025-06-30.

Conditions:
Hereditary cancer-predisposing syndrome. Also called: Hereditary neoplastic syndrome; Neoplastic Syndromes, Hereditary; Tumor predisposition; Hereditary Cancer Syndrome. Identifiers: Orphanet 140162, MedGen C0027672, MeSH D009386, MONDO:0015356.

Submissions (2):

Color Diagnostics, LLC DBA Color Health
Classification: Uncertain significance for Hereditary cancer-predisposing syndrome. Last evaluated: 2025-06-30. Review status: criteria provided, single submitter. Criteria: ACMG Guidelines, 2015. Collection method: clinical testing. Allele origin: germline.
Comment: This missense variant replaces proline with glutamine at codon 2802 of the APC protein. Computational prediction suggests that this variant may not impact protein structure and function. To our knowledge, functional studies have not been reported for this variant. This variant has not been reported in individuals affected with APC-related disorders in the literature. This variant has not been identified in the general population by the Genome Aggregation Database (gnomAD). The available evidence is insufficient to determine the role of this variant in disease conclusively. Therefore, this variant is classified as a Variant of Uncertain Significance.

GeneDx
Classification: Uncertain significance. Last evaluated: 2020-06-18. Review status: criteria provided, single submitter. Criteria: GeneDx Variant Classification Process June 2021. Collection method: clinical testing. Allele origin: germline. Affected: yes.
Comment: Not observed in large population cohorts (Lek 2016); In silico analysis supports that this missense variant does not alter protein structure/function; Has not been previously published as pathogenic or benign to our knowledge

NM_000038.6(APC):c.8405C>A (p.Pro2802Gln)

Gene: APC (APC regulator of Wnt signaling pathway; plus strand). Cytogenetic location: 5q22.2.
Variant type: single nucleotide variant.
Coding change: c.8405C>A on transcript NM_000038.6 (MANE Select); coding-DNA position 8405, C replaced by A.
Protein change: p.Pro2802Gln; replaces proline 2802 with glutamine.
Molecular consequence: missense variant.
Genome position (GRCh38, 1-based): chr5:112,843,999, C>A. VCF-style: chr5-112843999-C-A. GRCh37 (hg19) VCF-style: chr5-112179696-C-A.
Other names: c.8405C>A, p.Pro2802Gln (NM_001127510.3, NM_001354895.2); c.8351C>A, p.Pro2784Gln (NM_001127511.3); c.8459C>A, p.Pro2820Gln (NM_001354896.2); c.8435C>A, p.Pro2812Gln (NM_001354897.2); c.8330C>A, p.Pro2777Gln (NM_001354898.2); c.8321C>A, p.Pro2774Gln (NM_001354899.2); c.8282C>A, p.Pro2761Gln (NM_001354900.2); c.8228C>A, p.Pro2743Gln (NM_001354901.2); and 5 more; short protein forms P2743Q, P2761Q, P2774Q, P2777Q, P2784Q, P2802Q, P2812Q, P2820Q.
Identifiers: ClinVar variation 1316121 (VCV001316121.3), dbSNP rs765631031, ClinGen allele CA16039570.
Genomic context (GRCh38, chr5:112,843,999, plus strand): 5'-CTCCTTTTAATTACAACCCAAGCCCTAGGAAAAGCAGCGCAGATAGCACTTCAGCTCGGC[C>A]ATCTCAGATCCCAACTCCAGTGAATAACAACACAAAGAAGCGAGATTCCAAAACTGACAG-3'
Protein context (NP_000029.2, residues 2792-2812): KSSADSTSAR[Pro2802Gln]SQIPTPVNNN